The following is an entry in ClinVar:

NM_004064.5(CDKN1B):c.542C>A (p.Ala181Asp)

Gene: CDKN1B (cyclin dependent kinase inhibitor 1B; plus strand). Cytogenetic location: 12p13.1.
Variant type: single nucleotide variant.
Coding change: c.542C>A on transcript NM_004064.5 (MANE Select); coding-DNA position 542, C replaced by A.
Protein change: p.Ala181Asp; replaces alanine 181 with aspartic acid.
Molecular consequence: missense variant.
Genome position (GRCh38, 1-based): chr12:12,718,891, C>A. VCF-style: chr12-12718891-C-A. GRCh37 (hg19) VCF-style: chr12-12871825-C-A.
Other names: short protein forms A181D.
Identifiers: ClinVar variation 1747491 (VCV001747491.2), dbSNP rs1457880196, ClinGen allele CA383973044.

ClinVar aggregate classification (germline): Uncertain significance (1 of 4 stars; one submission).

Conditions:
Hereditary cancer-predisposing syndrome. Also called: Hereditary Cancer Syndrome; Neoplastic Syndromes, Hereditary; Tumor predisposition; Hereditary neoplastic syndrome. Identifiers: Orphanet 140162, MedGen C0027672, MeSH D009386, MONDO:0015356.

Submission:

Ambry Genetics
Classification: Uncertain significance for Hereditary cancer-predisposing syndrome. Last evaluated: 2022-03-07. Review status: criteria provided, single submitter. Criteria: Ambry Variant Classification Scheme 2023. Collection method: clinical testing. Allele origin: germline.
Comment: The p.A181D variant (also known as c.542C>A), located in coding exon 2 of the CDKN1B gene, results from a C to A substitution at nucleotide position 542. The alanine at codon 181 is replaced by aspartic acid, an amino acid with dissimilar properties. This amino acid position is conserved. In addition, the in silico prediction for this alteration is inconclusive. Since supporting evidence is limited at this time, the clinical significance of this alteration remains unclear.